The following is an entry in ClinVar:

NM_000426.4(LAMA2):c.3778G>A (p.Glu1260Lys)

Gene: LAMA2 (laminin subunit alpha 2; plus strand). Cytogenetic location: 6q22.33.
Variant type: single nucleotide variant.
Coding change: c.3778G>A on transcript NM_000426.4 (MANE Select); coding-DNA position 3778, G replaced by A.
Protein change: p.Glu1260Lys; replaces glutamic acid 1260 with lysine.
Molecular consequence: missense variant.
Genome position (GRCh38, 1-based): chr6:129,315,804, G>A. VCF-style: chr6-129315804-G-A. GRCh37 (hg19) VCF-style: chr6-129636949-G-A.
Other names: c.3778G>A, p.Glu1260Lys (NM_001079823.2); short protein forms E1260K.
Identifiers: ClinVar variation 1307598 (VCV001307598.5), dbSNP rs1363185527, ClinGen allele CA365613258.

ClinVar aggregate classification (germline): Uncertain significance. Review status: criteria provided, multiple submitters, no conflicts (2 of 4 stars). 2 submissions from 2 submitters: Uncertain significance (2). Last evaluated 2025-06-20.

Conditions:
LAMA2-related muscular dystrophy (LAMA2-RD). Also called: Laminin alpha 2-related dystrophy. Identifiers: MedGen C5679788, MONDO:0100228.

Allele frequency attached by ClinVar (database versions not stated): TOPMed below 0.00001.
gnomAD v4.1: 10 of 1,613,998 alleles (0.00062%); highest among the groups gnomAD compares: South Asian, 0.0011%; no homozygotes.

Submissions (2):

Labcorp Genetics (formerly Invitae), Labcorp
Classification: Uncertain significance for LAMA2-related muscular dystrophy. Last evaluated: 2025-06-20. Review status: criteria provided, single submitter. Criteria: Invitae Variant Classification Sherloc (09022015). Collection method: clinical testing. Allele origin: germline.
Comment: This sequence change replaces glutamic acid, which is acidic and polar, with lysine, which is basic and polar, at codon 1260 of the LAMA2 protein (p.Glu1260Lys). This variant is present in population databases (no rsID available, gnomAD 0.003%). This variant has not been reported in the literature in individuals affected with LAMA2-related conditions. ClinVar contains an entry for this variant (Variation ID: 1307598). Invitae Evidence Modeling of protein sequence and biophysical properties (such as structural, functional, and spatial information, amino acid conservation, physicochemical variation, residue mobility, and thermodynamic stability) indicates that this missense variant is not expected to disrupt LAMA2 protein function with a negative predictive value of 95%. In summary, the available evidence is currently insufficient to determine the role of this variant in disease. Therefore, it has been classified as a Variant of Uncertain Significance.

GeneDx
Classification: Uncertain significance. Last evaluated: 2019-03-12. Review status: criteria provided, single submitter. Criteria: GeneDx Variant Classification Process June 2021. Collection method: clinical testing. Allele origin: germline. Affected: yes.
Comment: Not observed at a significant frequency in large population cohorts (Lek et al., 2016)